The following is an entry in ClinVar:

ClinVar aggregate classification (germline): Uncertain significance. Review status: criteria provided, multiple submitters, no conflicts (2 of 4 stars). 2 submissions from 2 submitters: Uncertain significance (2). Last evaluated 2025-12-19.

gnomAD v4.1: 83 of 1,612,984 alleles (0.0051%); highest among the groups gnomAD compares: Middle Eastern, 0.017%; no homozygotes.

Submissions (2):

Labcorp Genetics (formerly Invitae), Labcorp
Classification: Uncertain significance. Last evaluated: 2025-12-19. Review status: criteria provided, single submitter. Criteria: Invitae Variant Classification Sherloc (09022015). Collection method: clinical testing. Allele origin: germline.
Comment: This sequence change replaces threonine, which is neutral and polar, with methionine, which is neutral and non-polar, at codon 408 of the RHAG protein (p.Thr408Met). This variant is present in population databases (rs373196411, gnomAD 0.01%). This variant has not been reported in the literature in individuals affected with RHAG-related conditions. ClinVar contains an entry for this variant (Variation ID: 4079868). An algorithm developed to predict the effect of missense changes on protein structure and function (PolyPhen-2) suggests that this variant is likely to be tolerated. Algorithms developed to predict the effect of sequence changes on RNA splicing suggest that this variant may disrupt the consensus splice site. In summary, the available evidence is currently insufficient to determine the role of this variant in disease. Therefore, it has been classified as a Variant of Uncertain Significance.

Revvity Omics, Revvity
Classification: Uncertain significance. Last evaluated: 2024-10-18. Review status: criteria provided, single submitter. Criteria: ACMG Guidelines, 2015. Collection method: clinical testing. Allele origin: germline.

NM_000324.3(RHAG):c.1223C>T (p.Thr408Met)

Gene: RHAG (Rh associated glycoprotein; minus strand). Cytogenetic location: 6p12.3.
Variant type: single nucleotide variant.
Coding change: c.1223C>T on transcript NM_000324.3 (MANE Select); coding-DNA position 1223, C replaced by T.
Protein change: p.Thr408Met; replaces threonine 408 with methionine.
Molecular consequence: missense variant.
Genome position (GRCh38, 1-based): chr6:49,605,820, G>A on the plus strand (C>T on the coding strand, the complement: RHAG is on the minus strand). VCF-style: chr6-49605820-G-A. GRCh37 (hg19) VCF-style: chr6-49573533-G-A.
Other names: short protein forms T408M.
Identifiers: ClinVar variation 4079868 (VCV004079868.2).